The following is an entry in ClinVar:

NM_004370.6(COL12A1):c.8990G>C (p.Arg2997Pro)

Gene: COL12A1 (collagen type XII alpha 1 chain; minus strand). Cytogenetic location: 6q13.
Variant type: single nucleotide variant.
Coding change: c.8990G>C on transcript NM_004370.6 (MANE Select); coding-DNA position 8990, G replaced by C.
Protein change: p.Arg2997Pro; replaces arginine 2997 with proline.
Molecular consequence: missense variant.
Genome position (GRCh38, 1-based): chr6:75,089,126, C>G on the plus strand (G>C on the coding strand, the complement: COL12A1 is on the minus strand). VCF-style: chr6-75089126-C-G. GRCh37 (hg19) VCF-style: chr6-75798842-C-G.
Other names: c.8990G>C, p.Arg2997Pro (NM_001424113.1); c.8969G>C, p.Arg2990Pro (NM_001424114.1); c.8717G>C, p.Arg2906Pro (NM_001424115.1); c.5498G>C, p.Arg1833Pro (NM_001424116.1, NM_080645.3); short protein forms R1833P, R2906P, R2990P, R2997P.
Identifiers: ClinVar variation 4082947 (VCV004082947.1).

ClinVar aggregate classification (germline): Uncertain significance (1 of 4 stars; one submission).

Submission:

GeneDx
Classification: Uncertain significance. Last evaluated: 2025-03-07. Review status: criteria provided, single submitter. Criteria: GeneDx Variant Classification Process June 2021. Collection method: clinical testing. Allele origin: germline. Affected: yes.
Comment: Not observed at significant frequency in large population cohorts (gnomAD); In silico analysis supports that this missense variant has a deleterious effect on protein structure/function; Has not been previously published as pathogenic or benign to our knowledge